The following is an entry in ClinVar:

ClinVar aggregate classification (germline): Uncertain significance. Review status: criteria provided, multiple submitters, no conflicts (2 of 4 stars). 2 submissions from 2 submitters: Uncertain significance (2). Last evaluated 2024-01-25.

Allele frequency attached by ClinVar (database versions not stated): gnomAD exomes 0.00001; ExAC 0.00003; 1000 Genomes Project 30x 0.00016; 1000 Genomes Project 0.00020; TOPMed 0.00006; ESP Exome Variant Server 0.00008; gnomAD 0.00008.
gnomAD v4.1: 33 of 1,613,880 alleles (0.002%); highest among the groups gnomAD compares: African/African-American, 0.043%; no homozygotes.

Submissions (2):

Labcorp Genetics (formerly Invitae), Labcorp
Classification: Uncertain significance. Last evaluated: 2024-01-25. Review status: criteria provided, single submitter. Criteria: Invitae Variant Classification Sherloc (09022015). Collection method: clinical testing. Allele origin: germline.
Comment: This sequence change replaces valine, which is neutral and non-polar, with aspartic acid, which is acidic and polar, at codon 970 of the BICC1 protein (p.Val970Asp). This variant is present in population databases (rs373110130, gnomAD 0.04%). This variant has not been reported in the literature in individuals affected with BICC1-related conditions. ClinVar contains an entry for this variant (Variation ID: 2408666). An algorithm developed to predict the effect of missense changes on protein structure and function (PolyPhen-2) suggests that this variant is likely to be disruptive. In summary, the available evidence is currently insufficient to determine the role of this variant in disease. Therefore, it has been classified as a Variant of Uncertain Significance.

Ambry Genetics
Classification: Uncertain significance. Last evaluated: 2022-01-27. Review status: criteria provided, single submitter. Criteria: Ambry Variant Classification Scheme 2023. Collection method: clinical testing. Allele origin: germline.

NM_001080512.3(BICC1):c.2909T>A (p.Val970Asp)

Gene: BICC1 (BicC family RNA binding protein 1; plus strand). Cytogenetic location: 10q21.1.
Variant type: single nucleotide variant.
Coding change: c.2909T>A on transcript NM_001080512.3 (MANE Select); coding-DNA position 2909, T replaced by A.
Protein change: p.Val970Asp; replaces valine 970 with aspartic acid.
Molecular consequence: missense variant.
Genome position (GRCh38, 1-based): chr10:58,828,875, T>A. VCF-style: chr10-58828875-T-A. GRCh37 (hg19) VCF-style: chr10-60588635-T-A.
Other names: short protein forms V970D.
Identifiers: ClinVar variation 2408666 (VCV002408666.5), dbSNP rs373110130, ClinGen allele CA5508943.